The following is an entry in ClinVar:

ClinVar aggregate classification (germline): Conflicting classifications of pathogenicity. Review status: criteria provided, conflicting classifications (1 of 4 stars). 3 submissions from 3 submitters: Uncertain significance (1); Likely benign (2). Last evaluated 2026-07-01.

Allele frequency attached by ClinVar (database versions not stated): gnomAD exomes below 0.00001 and 0.00002; ExAC 0.00001; gnomAD 0.00001; TOPMed 0.00001.
gnomAD v4.1: 8 of 1,596,994 alleles (0.0005%); highest among the groups gnomAD compares: Non-Finnish European, 0.00059%; no homozygotes.

Submissions (3):

CeGaT Center for Human Genetics Tuebingen
Classification: Uncertain significance. Last evaluated: 2026-07-01. Review status: criteria provided, single submitter. Criteria: CeGaT Center For Human Genetics Tuebingen Variant Classification Criteria Version 2. Collection method: clinical testing. Allele origin: germline. Affected: yes. Observed: 1 variant allele.
Comment: LZTR1: PM2:Supporting, BP4

Labcorp Genetics (formerly Invitae), Labcorp
Classification: Likely benign. Last evaluated: 2025-05-05. Review status: criteria provided, single submitter. Criteria: Invitae Variant Classification Sherloc (09022015). Collection method: clinical testing. Allele origin: germline.

Blueprint Genetics
Classification: Likely benign. Last evaluated: 2021-10-14. Review status: criteria provided, single submitter. Criteria: ACMG Guidelines, 2015. Collection method: clinical testing. Allele origin: germline.

NM_006767.4(LZTR1):c.1615+7C>G

Gene: LZTR1 (leucine zipper like post translational regulator 1; plus strand). Cytogenetic location: 22q11.21.
Variant type: single nucleotide variant.
Coding change: c.1615+7C>G on transcript NM_006767.4 (MANE Select); 7 bases into the intron after coding-DNA position 1615, C replaced by G.
Molecular consequence: intron variant.
Genome position (GRCh38, 1-based): chr22:20,994,276, C>G. VCF-style: chr22-20994276-C-G. GRCh37 (hg19) VCF-style: chr22-21348565-C-G.
Identifiers: ClinVar variation 1409084 (VCV001409084.8), dbSNP rs747235913, ClinGen allele CA10118958.